The following is an entry in ClinVar:

NM_017882.3(CLN6):c.64G>A (p.Ala22Thr)

Gene: CLN6 (CLN6 transmembrane ER protein; minus strand). Cytogenetic location: 15q23.
Variant type: single nucleotide variant.
Coding change: c.64G>A on transcript NM_017882.3 (MANE Select); coding-DNA position 64, G replaced by A.
Protein change: p.Ala22Thr; replaces alanine 22 with threonine.
Molecular consequence: missense variant.
Genome position (GRCh38, 1-based): chr15:68,229,521, C>T on the plus strand (G>A on the coding strand, the complement: CLN6 is on the minus strand). VCF-style: chr15-68229521-C-T. GRCh37 (hg19) VCF-style: chr15-68521859-C-T.
Other names: p.A22T:GCC>ACC; short protein forms A22T.
Identifiers: ClinVar variation 205181 (VCV000205181.16), dbSNP rs527373013, ClinGen allele CA313988.

ClinVar aggregate classification (germline): Uncertain significance. Review status: criteria provided, multiple submitters, no conflicts (2 of 4 stars). 4 submissions from 4 submitters: Uncertain significance (4). Last evaluated 2025-06-01.

Conditions:
Neuronal ceroid lipofuscinosis. Also called: Neuronal Ceroid Lipofuscinoses. Identifiers: Orphanet 216, Orphanet 79263, MedGen C0027877, MONDO:0016295. Disease mechanism: loss of function.

Allele frequency attached by ClinVar (database versions not stated): TOPMed 0.00002.
gnomAD v4.1: 52 of 1,466,290 alleles (0.0035%); highest among the groups gnomAD compares: Non-Finnish European, 0.0039%; no homozygotes.

Submissions (4):

CeGaT Center for Human Genetics Tuebingen
Classification: Uncertain significance. Last evaluated: 2025-06-01. Review status: criteria provided, single submitter. Criteria: CeGaT Center For Human Genetics Tuebingen Variant Classification Criteria Version 2. Collection method: clinical testing. Allele origin: germline. Affected: yes. Observed: 1 variant allele.
Comment: CLN6: PM2, PP3

Blueprint Genetics
Classification: Uncertain significance. Last evaluated: 2024-09-06. Review status: criteria provided, single submitter. Criteria: ACMG Guidelines, 2015. Collection method: clinical testing. Allele origin: germline.

Labcorp Genetics (formerly Invitae), Labcorp
Classification: Uncertain significance for Neuronal ceroid lipofuscinosis. Last evaluated: 2024-04-05. Review status: criteria provided, single submitter. Criteria: Invitae Variant Classification Sherloc (09022015). Collection method: clinical testing. Allele origin: germline.
Comment: This sequence change replaces alanine, which is neutral and non-polar, with threonine, which is neutral and polar, at codon 22 of the CLN6 protein (p.Ala22Thr). This variant is present in population databases (no rsID available, gnomAD 0.02%). This variant has not been reported in the literature in individuals affected with CLN6-related conditions. ClinVar contains an entry for this variant (Variation ID: 205181). Advanced modeling of protein sequence and biophysical properties (such as structural, functional, and spatial information, amino acid conservation, physicochemical variation, residue mobility, and thermodynamic stability) performed at Invitae indicates that this missense variant is not expected to disrupt CLN6 protein function with a negative predictive value of 80%. In summary, the available evidence is currently insufficient to determine the role of this variant in disease. Therefore, it has been classified as a Variant of Uncertain Significance.

GeneDx
Classification: Uncertain significance. Last evaluated: 2017-06-21. Review status: criteria provided, single submitter. Criteria: GeneDx Variant Classification (06012015). Collection method: clinical testing. Allele origin: germline. Affected: yes.
Comment: p.Ala22Thr (GCC>ACC): c.64 G>A in exon 1 of the CLN6 gene (NM_017882.2). The Ala22Thr missense change has not been published as a mutation, nor has it been reported as a benign polymorphism to our knowledge. Ala22Thr alters a position that is not conserved in the signal peptide domain of the CLN6 protein and several in-silico algorithms predict it may be benign. However, other missense mutations in this region of the protein have been reported in association with late-infantile neuronal ceroid lipofuscinosis (NCL) and the amino acid substitution is non-conservative as a non-polar Alanine residue is replaced by a polar Threonine residue. Therefore, based on the currently available information, it is unclear whether Ala22Thr is a disease-causing mutation or a rare benign variant. The variant is found in EPILEPSY panel(s).